The following is an entry in ClinVar:

NM_005591.4(MRE11):c.20+2T>C

Gene: MRE11 (MRE11 double strand break repair nuclease; minus strand). Cytogenetic location: 11q21.
Variant type: single nucleotide variant.
Coding change: c.20+2T>C on transcript NM_005591.4 (MANE Select); the canonical splice donor site of the intron after coding-DNA position 20, T replaced by C.
Molecular consequence: splice donor variant.
Genome position (GRCh38, 1-based): chr11:94,492,780, A>G on the plus strand (T>C on the coding strand, the complement: MRE11 is on the minus strand). VCF-style: chr11-94492780-A-G. GRCh37 (hg19) VCF-style: chr11-94225946-A-G.
Other names: c.20+2T>C (NM_001330347.2, NM_005590.4).
Identifiers: ClinVar variation 2813393 (VCV002813393.3), dbSNP rs2531482062, ClinGen allele CA382381522.

ClinVar aggregate classification (germline): Likely pathogenic (1 of 4 stars; one submission).

Conditions:
Ataxia-telangiectasia-like disorder (ATLD). Identifiers: MedGen C1858391, MONDO:0011457.

Submission:

Labcorp Genetics (formerly Invitae), Labcorp
Classification: Likely pathogenic for Ataxia-telangiectasia-like disorder. Last evaluated: 2023-07-28. Review status: criteria provided, single submitter. Criteria: Invitae Variant Classification Sherloc (09022015). Collection method: clinical testing. Allele origin: germline.
Comment: Algorithms developed to predict the effect of sequence changes on RNA splicing suggest that this variant may disrupt the consensus splice site. In summary, the currently available evidence indicates that the variant is pathogenic, but additional data are needed to prove that conclusively. Therefore, this variant has been classified as Likely Pathogenic. This variant has not been reported in the literature in individuals affected with MRE11-related conditions. This variant is not present in population databases (gnomAD no frequency). This sequence change affects a donor splice site in intron 2 of the MRE11 gene. It is expected to disrupt RNA splicing. Variants that disrupt the donor or acceptor splice site typically lead to a loss of protein function (PMID: 16199547), and loss-of-function variants in MRE11 are known to be pathogenic (PMID: 23080121, 23912341).

Literature cited by the submitters: PubMed 16199547; PubMed 23080121; PubMed 23912341.